The following is an entry in ClinVar:

ClinVar aggregate classification (germline): Likely benign (1 of 4 stars; one submission).

Allele frequency attached by ClinVar (database versions not stated): 1000 Genomes Project 30x 0.00016.
gnomAD v4.1: 3 of 1,170,902 alleles (0.00026%); highest among the groups gnomAD compares: South Asian, 0.0038%; no homozygotes.

Submission:

CeGaT Center for Human Genetics Tuebingen
Classification: Likely benign. Last evaluated: 2023-07-01. Review status: criteria provided, single submitter. Criteria: CeGaT Center For Human Genetics Tuebingen Variant Classification Criteria Version 2. Collection method: clinical testing. Allele origin: germline. Affected: yes. Observed: 1 variant allele.
Comment: MAGI2: BP4, BP7

NM_012301.4(MAGI2):c.4029C>G (p.Pro1343=)

Genes: MAGI2 (membrane associated guanylate kinase, WW and PDZ domain containing 2; minus strand), LOC129998720 (ATAC-STARR-seq lymphoblastoid silent region 18332; plus strand). Cytogenetic location: 7q21.11.
Variant type: single nucleotide variant.
Coding change: c.4029C>G on transcript NM_012301.4 (MANE Select); coding-DNA position 4029, C replaced by G.
Protein change: p.Pro1343=; no amino-acid change (proline 1343 retained).
Molecular consequence: synonymous variant.
Genome position (GRCh38, 1-based): chr7:78,019,654, G>C on the plus strand (C>G on the coding strand, the complement: MAGI2 is on the minus strand). VCF-style: chr7-78019654-G-C. GRCh37 (hg19) VCF-style: chr7-77648971-G-C.
Other names: c.3987C>G, p.Pro1329= (NM_001301128.2).
Identifiers: ClinVar variation 2657634 (VCV002657634.24), dbSNP rs1179058008, ClinGen allele CA456335712.
Genomic context (GRCh38, chr7:78,019,654, plus strand): 5'-CGCCCGCGCCGCGTCCGCCGCGTCTGCCGCCGCGAGCCCGGGCGCCCTGGCCTCCGAGGC[G>C]GGCCTGCCGGCCTCGGGCCGCCCCTGGCCGCCGGGCGCCTCCTCGAGCCTCGGCCGCGCG-3'
Protein context (NP_036433.2, residues 1333-1353): GGQGRPEAGR[Pro1343=]ASEARAPGLA